The following is an entry in ClinVar:

ClinVar aggregate classification (germline): Uncertain significance (1 of 4 stars; one submission).

Conditions:
Hereditary pancreatitis (PCTT). Also called: Hereditary chronic pancreatitis; PRSS1-Related Hereditary Pancreatitis. Identifiers: Orphanet 676, MedGen C0238339, MONDO:0008185, OMIM 167800.

Allele frequency attached by ClinVar (database versions not stated): TOPMed below 0.00001; gnomAD 0.00001.
gnomAD v4.1: 1 of 1,614,054 alleles (0.000062%); highest among the groups gnomAD compares: Middle Eastern, 0.016%; no homozygotes.

Submission:

Labcorp Genetics (formerly Invitae), Labcorp
Classification: Uncertain significance for Hereditary pancreatitis. Last evaluated: 2021-08-19. Review status: criteria provided, single submitter. Criteria: Invitae Variant Classification Sherloc (09022015). Collection method: clinical testing. Allele origin: germline.
Comment: In summary, this variant is a novel missense change with uncertain impact on protein function. It has been classified as a Variant of Uncertain Significance. Algorithms developed to predict the effect of missense changes on protein structure and function do not agree on the potential impact of this missense change (SIFT: "Deleterious"; PolyPhen-2: "Possibly Damaging"; Align-GVGD: "Class C0"). This variant is not present in population databases (ExAC no frequency) and has not been reported in the literature in individuals with a PRSS1-related disease. This sequence change replaces isoleucine with methionine at codon 69 of the PRSS1 protein (p.Ile69Met). The isoleucine residue is highly conserved and there is a small physicochemical difference between isoleucine and methionine.

NM_002769.5(PRSS1):c.207C>G (p.Ile69Met)

Genes: TRB (T cell receptor beta locus; plus strand), PRSS1 (serine protease 1; plus strand). Cytogenetic location: 7q34.
Variant type: single nucleotide variant.
Coding change: c.207C>G on transcript NM_002769.5 (MANE Select); coding-DNA position 207, C replaced by G.
Protein change: p.Ile69Met; replaces isoleucine 69 with methionine.
Molecular consequence: missense variant.
Genome position (GRCh38, 1-based): chr7:142,751,780, C>G. VCF-style: chr7-142751780-C-G. GRCh37 (hg19) VCF-style: chr7-142459631-C-G.
Other names: short protein forms I69M.
Identifiers: ClinVar variation 459182 (VCV000459182.8), dbSNP rs1431688642, ClinGen allele CA369608351.
Genomic context (GRCh38, chr7:142,751,780, plus strand): 5'-ATAGGTGCCCTGGCTGTGGGAGAAGGTCTTCACCATGCCTGCCCTGCCCATCAGCCGCAT[C>G]CAGGTGAGACTGGGAGAGCACAACATCGAAGTCCTGGAGGGGAATGAGCAGTTCATCAAT-3'
Protein context (NP_002760.1, residues 59-79): VSAGHCYKSR[Ile69Met]QVRLGEHNIE